The following is an entry in ClinVar:

ClinVar aggregate classification (germline): Likely benign. Review status: criteria provided, multiple submitters, no conflicts (2 of 4 stars). 3 submissions from 3 submitters: Likely benign (3). Last evaluated 2025-11-17.

Conditions:
Hereditary breast ovarian cancer syndrome. Also called: Hereditary breast and ovarian cancer syndrome; Hereditary breast and ovarian cancer; Breast and ovarian cancer; BRCA1- and BRCA2-Associated Hereditary Breast and Ovarian Cancer; Hereditary breast and/or ovarian cancer syndrome; Hereditary breast and ovarian cancer syndrome (HBOC). Identifiers: Orphanet 145, MedGen C0677776, MeSH D061325, MONDO:0003582. Disease mechanism: loss of function.

gnomAD v4.1: 2 of 1,490,798 alleles (0.00013%); no homozygotes.

Submissions (3):

Labcorp Genetics (formerly Invitae), Labcorp
Classification: Likely benign for Hereditary breast ovarian cancer syndrome. Last evaluated: 2025-11-17. Review status: criteria provided, single submitter. Criteria: Invitae Variant Classification Sherloc (09022015). Collection method: clinical testing. Allele origin: germline.

Women's Health and Genetics/Laboratory Corporation of America, LabCorp
Classification: Likely benign. Last evaluated: 2024-12-11. Review status: criteria provided, single submitter. Criteria: LabCorp Variant Classification Summary - May 2015. Collection method: clinical testing. Allele origin: germline.

GeneDx
Classification: Likely benign. Last evaluated: 2016-04-07. Review status: criteria provided, single submitter. Criteria: GeneDx Variant Classification (06012015). Collection method: clinical testing. Allele origin: germline. Affected: yes.
Comment: This variant is considered likely benign or benign based on one or more of the following criteria: it is a conservative change, it occurs at a poorly conserved position in the protein, it is predicted to be benign by multiple in silico algorithms, and/or has population frequency not consistent with disease.

NM_000059.4(BRCA2):c.6937+17A>T

Gene: BRCA2 (BRCA2 DNA repair associated; plus strand). Cytogenetic location: 13q13.1.
Variant type: single nucleotide variant.
Coding change: c.6937+17A>T on transcript NM_000059.4 (MANE Select); 17 bases into the intron after coding-DNA position 6937, A replaced by T.
Molecular consequence: intron variant.
Genome position (GRCh38, 1-based): chr13:32,344,670, A>T. VCF-style: chr13-32344670-A-T. GRCh37 (hg19) VCF-style: chr13-32918807-A-T.
Identifiers: ClinVar variation 385315 (VCV000385315.13), dbSNP rs1057522185, ClinGen allele CA16606695.